The following is an entry in ClinVar:

NM_001355436.2(SPTB):c.2539del (p.Ala847fs)

Gene: SPTB (spectrin beta, erythrocytic; minus strand). Cytogenetic location: 14q23.3.
Variant type: Deletion.
Coding change: c.2539del on transcript NM_001355436.2 (MANE Select); coding-DNA position 2539, one base deleted (G; older notation c.2539delG).
Protein change: p.Ala847fs; shifts the reading frame from alanine 847.
Molecular consequence: frameshift variant.
Genome position (GRCh38, 1-based): chr14:64,793,124, C deleted on the plus strand (G on the coding strand, the reverse complement: SPTB is on the minus strand). VCF-style (leftmost placement, unchanged base first): chr14-64793123-GC-G. GRCh37 (hg19) VCF-style: chr14-65259841-GC-G.
Other names: c.2539del, p.Ala847fs (NM_001024858.4, NM_001355437.2); short protein forms A847fs.
Identifiers: ClinVar variation 996356 (VCV000996356.2), dbSNP rs2082703730, ClinGen allele CA2142822435.

ClinVar aggregate classification (germline): Pathogenic (1 of 4 stars; one submission).

Submission:

MVZ Dr. Eberhard & Partner Dortmund
Classification: Pathogenic. Last evaluated: 2020-01-21. Review status: criteria provided, single submitter. Criteria: ACMG Guidelines, 2015. Collection method: clinical testing. Allele origin: unknown. Observed: 1 heterozygote.
Comment: The single nucleotide deletion in exon 13 creates a frame shift starting at codon Ala847. The new reading frame ends in a stop codon at position 51 (p.(Ala847Profs*51). Therefore the mutation is a null variant in a gene where loss of function is a known mechanism of diesease. Upstream and downstream of this variant HGMD lists several nonsense mutations leading to premature stop codons. This variant is absent from controls in Exome Sequencing Project, 1000 Genomes Project and Exome Aggregation Consortium.